The following is an entry in ClinVar:

ClinVar aggregate classification (germline): Uncertain significance (1 of 4 stars; one submission).

Allele frequency attached by ClinVar (database versions not stated): gnomAD exomes below 0.00001; TOPMed below 0.00001; gnomAD 0.00001.
gnomAD v4.1: 4 of 1,612,186 alleles (0.00025%); highest among the groups gnomAD compares: African/African-American, 0.0013%; no homozygotes.

Submission:

GeneDx
Classification: Uncertain significance. Last evaluated: 2023-03-22. Review status: criteria provided, single submitter. Criteria: GeneDx Variant Classification Process June 2021. Collection method: clinical testing. Allele origin: germline. Affected: yes.
Comment: Not observed in large population cohorts (gnomAD); In silico analysis, which includes protein predictors and evolutionary conservation, supports a deleterious effect; Has not been previously published as pathogenic or benign to our knowledge

NM_006852.6(TLK2):c.187C>T (p.Arg63Trp)

Gene: TLK2 (tousled like kinase 2; plus strand). Cytogenetic location: 17q23.2.
Variant type: single nucleotide variant.
Coding change: c.187C>T on transcript NM_006852.6 (MANE Select); coding-DNA position 187, C replaced by T.
Protein change: p.Arg63Trp; replaces arginine 63 with tryptophan.
Molecular consequence: missense variant. On other transcripts: 5 prime UTR variant (2).
Genome position (GRCh38, 1-based): chr17:62,522,237, C>T. VCF-style: chr17-62522237-C-T. GRCh37 (hg19) VCF-style: chr17-60599598-C-T.
Other names: c.187C>T, p.Arg63Trp (NM_001284333.3, NM_001284363.1, NM_001375270.1 and 2 more transcripts); c.-165C>T (NM_001330418.3, NM_001375273.1); c.325C>T, p.Arg109Trp (NM_001375269.1); short protein forms R109W, R63W.
Identifiers: ClinVar variation 1308771 (VCV001308771.3), dbSNP rs2076094147, ClinGen allele CA400513612.
Genomic context (GRCh38, chr17:62,522,237, plus strand): 5'-AATTGTGACTTATATGGTATTTGACAGACTCCCGAGAAAAAGCAGAATGACCAGCGAAAT[C>T]GGAAAAGAAAAGCTGAACCATATGAAACTAGCCAAGGTAGTAATAATTTCGTATCAACAA-3'
Protein context (NP_006843.2, residues 53-73): PEKKQNDQRN[Arg63Trp]KRKAEPYETS